The following is an entry in ClinVar:

NM_000138.5(FBN1):c.8537A>T (p.Glu2846Val)

Gene: FBN1 (fibrillin 1; minus strand). Cytogenetic location: 15q21.1.
Variant type: single nucleotide variant.
Coding change: c.8537A>T on transcript NM_000138.5 (MANE Select); coding-DNA position 8537, A replaced by T.
Protein change: p.Glu2846Val; replaces glutamic acid 2846 with valine.
Molecular consequence: missense variant.
Genome position (GRCh38, 1-based): chr15:48,411,069, T>A on the plus strand (A>T on the coding strand, the complement: FBN1 is on the minus strand). VCF-style: chr15-48411069-T-A. GRCh37 (hg19) VCF-style: chr15-48703266-T-A.
Other names: c.8537A>T, p.Glu2846Val (NM_001406716.1); short protein forms E2846V.
Identifiers: ClinVar variation 3513538 (VCV003513538.1).

ClinVar aggregate classification (germline): Uncertain significance (1 of 4 stars; one submission).

Conditions:
Familial thoracic aortic aneurysm and aortic dissection (TAAD). Also called: Thoracic aortic aneurysms and dissections. Identifiers: Orphanet 91387, MedGen C4707243, MONDO:0019625.

Submission:

Ambry Genetics
Classification: Uncertain significance for Familial thoracic aortic aneurysm and aortic dissection. Last evaluated: 2024-09-06. Review status: criteria provided, single submitter. Criteria: Ambry Variant Classification Scheme 2023. Collection method: clinical testing. Allele origin: germline.
Comment: The p.E2846V variant (also known as c.8537A>T), located in coding exon 65 of the FBN1 gene, results from an A to T substitution at nucleotide position 8537. The glutamic acid at codon 2846 is replaced by valine, an amino acid with dissimilar properties. This amino acid position is well conserved in available vertebrate species. In addition, the in silico prediction for this alteration is inconclusive. Based on the available evidence, the clinical significance of this variant remains unclear.